The following is an entry in ClinVar:

ClinVar aggregate classification (germline): Uncertain significance (1 of 4 stars; one submission).

Conditions:
Congenital contractural arachnodactyly (CCA). Also called: BEALS SYNDROME; Beals-Hecht syndrome; Arthrogryposis, distal, type 9. Identifiers: Orphanet 115, MedGen C0220668, MONDO:0007363, OMIM 121050.

gnomAD v4.1: 2 of 1,614,078 alleles (0.00012%); highest among the groups gnomAD compares: South Asian, 0.0011%; no homozygotes.

Submission:

Labcorp Genetics (formerly Invitae), Labcorp
Classification: Uncertain significance for Congenital contractural arachnodactyly. Last evaluated: 2025-06-12. Review status: criteria provided, single submitter. Criteria: Invitae Variant Classification Sherloc (09022015). Collection method: clinical testing. Allele origin: germline.
Comment: This sequence change replaces methionine, which is neutral and non-polar, with isoleucine, which is neutral and non-polar, at codon 2864 of the FBN2 protein (p.Met2864Ile). This variant is not present in population databases (gnomAD no frequency). This missense change has been observed in individual(s) with FBN2-related conditions (PMID: 33243733). ClinVar contains an entry for this variant (Variation ID: 3694917). Invitae Evidence Modeling of protein sequence and biophysical properties (such as structural, functional, and spatial information, amino acid conservation, physicochemical variation, residue mobility, and thermodynamic stability) indicates that this missense variant is not expected to disrupt FBN2 protein function with a negative predictive value of 80%. In summary, the available evidence is currently insufficient to determine the role of this variant in disease. Therefore, it has been classified as a Variant of Uncertain Significance.

Literature cited by the submitters: PubMed 33243733.

NM_001999.4(FBN2):c.8592G>T (p.Met2864Ile)

Gene: FBN2 (fibrillin 2; minus strand). Cytogenetic location: 5q23.3.
Variant type: single nucleotide variant.
Coding change: c.8592G>T on transcript NM_001999.4 (MANE Select); coding-DNA position 8592, G replaced by T.
Protein change: p.Met2864Ile; replaces methionine 2864 with isoleucine.
Molecular consequence: missense variant.
Genome position (GRCh38, 1-based): chr5:128,259,602, C>A on the plus strand (G>T on the coding strand, the complement: FBN2 is on the minus strand). VCF-style: chr5-128259602-C-A. GRCh37 (hg19) VCF-style: chr5-127595294-C-A.
Other names: short protein forms M2864I.
Identifiers: ClinVar variation 3694917 (VCV003694917.2).